The following is an entry in ClinVar:

ClinVar aggregate classification (germline): Uncertain significance (1 of 4 stars; one submission).

Submission:

Labcorp Genetics (formerly Invitae), Labcorp
Classification: Uncertain significance. Last evaluated: 2024-08-20. Review status: criteria provided, single submitter. Criteria: Invitae Variant Classification Sherloc (09022015). Collection method: clinical testing. Allele origin: germline.
Comment: This sequence change replaces asparagine, which is neutral and polar, with tyrosine, which is neutral and polar, at codon 462 of the TCIRG1 protein (p.Asn462Tyr). This variant is not present in population databases (gnomAD no frequency). This variant has not been reported in the literature in individuals affected with TCIRG1-related conditions. Invitae Evidence Modeling of protein sequence and biophysical properties (such as structural, functional, and spatial information, amino acid conservation, physicochemical variation, residue mobility, and thermodynamic stability) indicates that this missense variant is expected to disrupt TCIRG1 protein function with a positive predictive value of 80%. In summary, the available evidence is currently insufficient to determine the role of this variant in disease. Therefore, it has been classified as a Variant of Uncertain Significance.

NM_006019.4(TCIRG1):c.1384A>T (p.Asn462Tyr)

Gene: TCIRG1 (T cell immune regulator 1, ATPase H+ transporting V0 subunit a3; plus strand). Cytogenetic location: 11q13.2.
Variant type: single nucleotide variant.
Coding change: c.1384A>T on transcript NM_006019.4 (MANE Select); coding-DNA position 1384, A replaced by T.
Protein change: p.Asn462Tyr; replaces asparagine 462 with tyrosine.
Molecular consequence: missense variant.
Genome position (GRCh38, 1-based): chr11:68,047,725, A>T. VCF-style: chr11-68047725-A-T. GRCh37 (hg19) VCF-style: chr11-67815192-A-T.
Other names: c.490A>T, p.Asn164Tyr (NM_001351059.2); c.736A>T, p.Asn246Tyr (NM_006053.4); short protein forms N164Y, N246Y, N462Y.
Identifiers: ClinVar variation 3612729 (VCV003612729.2).
Genomic context (GRCh38, chr11:68,047,725, plus strand): 5'-AGGGGCCGCTACCTGCTCCTGCTTATGGGCCTGTTCTCCATCTACACCGGCTTCATCTAC[A>T]ACGAGTGCTTCAGTCGCGCCACCAGCATCTTCCCCTCGGGCTGGAGTGTGGCCGCCATGG-3'
Protein context (NP_006010.2, residues 452-472): LFSIYTGFIY[Asn462Tyr]ECFSRATSIF